The following is an entry in ClinVar:

NM_018979.4(WNK1):c.6059G>A (p.Ser2020Asn)

Gene: WNK1 (WNK lysine deficient protein kinase 1; plus strand). Cytogenetic location: 12p13.33.
Variant type: single nucleotide variant.
Coding change: c.6059G>A on transcript NM_018979.4 (MANE Select); coding-DNA position 6059, G replaced by A.
Protein change: p.Ser2020Asn; replaces serine 2020 with asparagine.
Molecular consequence: missense variant.
Genome position (GRCh38, 1-based): chr12:896,546, G>A. VCF-style: chr12-896546-G-A. GRCh37 (hg19) VCF-style: chr12-1005712-G-A.
Other names: c.6839G>A, p.Ser2280Asn (NM_001184985.2); c.5315G>A, p.Ser1772Asn (NM_014823.3); c.6815G>A, p.Ser2272Asn (NM_213655.5); short protein forms S2020N, S2272N, S2280N, S1772N.
Identifiers: ClinVar variation 471203 (VCV000471203.8), dbSNP rs1555158125, ClinGen allele CA383336317.

ClinVar aggregate classification (germline): Uncertain significance (1 of 4 stars; one submission).

Conditions:
Neuropathy, hereditary sensory and autonomic, type 2A (HSAN2A). Also called: HSAN IIA; WNK1-Related HSAN2 (HSAN2A); ACROOSTEOLYSIS, GIACCAI TYPE; ACROOSTEOLYSIS, NEUROGENIC; MORVAN DISEASE; NEUROPATHY, CONGENITAL SENSORY. Identifiers: Orphanet 970, MedGen C2752089, MONDO:0024309, OMIM 201300.
Pseudohypoaldosteronism type 2C (PHA2C). Also called: Pseudohypoaldosteronism Type IIC. Identifiers: Orphanet 757, Orphanet 88940, MedGen C1840391, MONDO:0013778, OMIM 614492.

Allele frequency attached by ClinVar (database versions not stated): gnomAD exomes below 0.00001.
gnomAD v4.1: 1 of 1,613,402 alleles (0.000062%); highest among the groups gnomAD compares: Non-Finnish European, 0.000085%; no homozygotes.

Submission:

Labcorp Genetics (formerly Invitae), Labcorp
Classification: Uncertain significance for Neuropathy, hereditary sensory and autonomic, type 2A; Pseudohypoaldosteronism type 2C. Last evaluated: 2023-09-03. Review status: criteria provided, single submitter. Criteria: Invitae Variant Classification Sherloc (09022015). Collection method: clinical testing. Allele origin: germline.
Comment: In summary, the available evidence is currently insufficient to determine the role of this variant in disease. Therefore, it has been classified as a Variant of Uncertain Significance. Advanced modeling of protein sequence and biophysical properties (such as structural, functional, and spatial information, amino acid conservation, physicochemical variation, residue mobility, and thermodynamic stability) performed at Invitae indicates that this missense variant is not expected to disrupt WNK1 protein function. ClinVar contains an entry for this variant (Variation ID: 471203). This variant has not been reported in the literature in individuals affected with WNK1-related conditions. This variant is not present in population databases (gnomAD no frequency). This sequence change replaces serine, which is neutral and polar, with asparagine, which is neutral and polar, at codon 2272 of the WNK1 protein (p.Ser2272Asn).